The following is an entry in ClinVar:

NM_004519.4(KCNQ3):c.2611C>G (p.Pro871Ala)

Gene: KCNQ3 (potassium voltage-gated channel subfamily Q member 3; minus strand). Cytogenetic location: 8q24.22.
Variant type: single nucleotide variant.
Coding change: c.2611C>G on transcript NM_004519.4 (MANE Select); coding-DNA position 2611, C replaced by G.
Protein change: p.Pro871Ala; replaces proline 871 with alanine.
Molecular consequence: missense variant.
Genome position (GRCh38, 1-based): chr8:132,129,270, G>C on the plus strand (C>G on the coding strand, the complement: KCNQ3 is on the minus strand). VCF-style: chr8-132129270-G-C. GRCh37 (hg19) VCF-style: chr8-133141517-G-C.
Other names: c.2251C>G, p.Pro751Ala (NM_001204824.2); short protein forms P871A, P751A.
Identifiers: ClinVar variation 372395 (VCV000372395.14), dbSNP rs200647826, ClinGen allele CA4880404.

ClinVar aggregate classification (germline): Uncertain significance. Review status: criteria provided, multiple submitters, no conflicts (2 of 4 stars). 3 submissions from 3 submitters: Uncertain significance (3). Last evaluated 2025-12-15.

Conditions:
Benign neonatal seizures. Also called: Benign familial neonatal seizures; Benign neonatal familial convulsions; Benign familial neonatal epilepsy; Convulsions benign familial neonatal dominant form; Autosomal dominant form of benign neonatal seizures. Identifiers: Orphanet 1949, MedGen C0220669, MONDO:0016027.
Seizures, benign familial neonatal, 2. Also called: CONVULSIONS, BENIGN FAMILIAL NEONATAL, 2; KCNQ3-Related Self-Limited Familial Neonatal Epilepsy (SLFNE); Benign Neonatal Epilepsy 2; KCNQ3-Related Benign Familial Neonatal Epilepsy; Seizures, benign neonatal, 2. Identifiers: Orphanet 1949, MedGen C1852581, MONDO:0007366, OMIM 121201.

Allele frequency attached by ClinVar (database versions not stated): TOPMed 0.00002; gnomAD exomes 0.00006.
gnomAD v4.1: 86 of 1,611,490 alleles (0.0053%); highest among the groups gnomAD compares: Non-Finnish European, 0.007%; no homozygotes.

Submissions (3):

Labcorp Genetics (formerly Invitae), Labcorp
Classification: Uncertain significance for Benign neonatal seizures. Last evaluated: 2025-12-15. Review status: criteria provided, single submitter. Criteria: Invitae Variant Classification Sherloc (09022015). Collection method: clinical testing. Allele origin: germline.
Comment: This sequence change replaces proline, which is neutral and non-polar, with alanine, which is neutral and non-polar, at codon 871 of the KCNQ3 protein (p.Pro871Ala). This variant is present in population databases (rs200647826, gnomAD 0.008%). This missense change has been observed in individual(s) with autosomal dominant KCNQ3-related conditions (internal data). ClinVar contains an entry for this variant (Variation ID: 372395). Invitae Evidence Modeling of protein sequence and biophysical properties (such as structural, functional, and spatial information, amino acid conservation, physicochemical variation, residue mobility, and thermodynamic stability) has been performed for this missense variant. However, the output from this modeling did not meet the statistical confidence thresholds required to predict the impact of this variant on KCNQ3 protein function. In summary, the available evidence is currently insufficient to determine the role of this variant in disease. Therefore, it has been classified as a Variant of Uncertain Significance.

Mayo Clinic Laboratories, Mayo Clinic
Classification: Uncertain significance for Seizures, benign familial neonatal, 2. Last evaluated: 2017-03-16. Review status: criteria provided, single submitter. Criteria: ACMG Guidelines, 2015. Collection method: clinical testing. Allele origin: maternal.

GeneDx
Classification: Uncertain significance. Last evaluated: 2016-12-09. Review status: criteria provided, single submitter. Criteria: GeneDx Variant Classification (06012015). Collection method: clinical testing. Allele origin: germline. Affected: yes.
Comment: A variant of uncertain significance has been identified in the KCNQ3 gene. The P871A variant has not been published as a pathogenic variant, nor has it been reported as a benign variant to our knowledge. The P871A variant is not observed at a significant frequency in large population cohorts (Lek et al., 2016; 1000 Genomes Consortium et al., 2015; Exome Variant Server). The P871A variant is a semi-conservative amino acid substitution, which may impact secondary protein structure as these residues differ in some properties. This substitution occurs at a position that is conserved across species. However, in silico analysis is inconsistent in its predictions as to whether or not the variant is damaging to the protein structure/function. Therefore, based on the currently available information, it is unclear whether this variant is a pathogenic variant or a rare benign variant.